The following is an entry in ClinVar:

NM_006949.4(STXBP2):c.1526A>G (p.Gln509Arg)

Gene: STXBP2 (syntaxin binding protein 2; plus strand). Cytogenetic location: 19p13.2.
Variant type: single nucleotide variant.
Coding change: c.1526A>G on transcript NM_006949.4 (MANE Select); coding-DNA position 1526, A replaced by G.
Protein change: p.Gln509Arg; replaces glutamine 509 with arginine.
Molecular consequence: missense variant. On other transcripts: non-coding transcript variant (1).
Genome position (GRCh38, 1-based): chr19:7,647,235, A>G. VCF-style: chr19-7647235-A-G. GRCh37 (hg19) VCF-style: chr19-7712121-A-G.
Other names: c.1517A>G, p.Gln506Arg (NM_001127396.3); c.1559A>G, p.Gln520Arg (NM_001272034.2); c.1430A>G, p.Gln477Arg (NM_001414484.1); short protein forms Q520R, Q509R, Q506R, Q477R.
Identifiers: ClinVar variation 3718802 (VCV003718802.2).

ClinVar aggregate classification (germline): Uncertain significance (1 of 4 stars; one submission).

Conditions:
Familial hemophagocytic lymphohistiocytosis 5. Also called: STXBP2-Related Familial Hemophagocytic Lymphohistiocytosis (STXBP2-fHLH). Identifiers: Orphanet 540, MedGen C2751293, MONDO:0013135, OMIM 613101.

gnomAD v4.1: 5 of 1,611,088 alleles (0.00031%); highest among the groups gnomAD compares: Non-Finnish European, 0.00042%; no homozygotes.

Submission:

Labcorp Genetics (formerly Invitae), Labcorp
Classification: Uncertain significance for Familial hemophagocytic lymphohistiocytosis 5. Last evaluated: 2024-08-12. Review status: criteria provided, single submitter. Criteria: Invitae Variant Classification Sherloc (09022015). Collection method: clinical testing. Allele origin: germline.
Comment: This sequence change replaces glutamine, which is neutral and polar, with arginine, which is basic and polar, at codon 509 of the STXBP2 protein (p.Gln509Arg). This variant is present in population databases (rs766880930, gnomAD 0.001%). This variant has not been reported in the literature in individuals affected with STXBP2-related conditions. An algorithm developed to predict the effect of missense changes on protein structure and function (PolyPhen-2) suggests that this variant is likely to be disruptive. In summary, the available evidence is currently insufficient to determine the role of this variant in disease. Therefore, it has been classified as a Variant of Uncertain Significance.